The following is an entry in ClinVar:

ClinVar aggregate classification (germline): Uncertain significance (1 of 4 stars; one submission).

Conditions:
Hereditary cancer-predisposing syndrome. Also called: Hereditary Cancer Syndrome; Tumor predisposition; Hereditary neoplastic syndrome; Neoplastic Syndromes, Hereditary. Identifiers: Orphanet 140162, MedGen C0027672, MeSH D009386, MONDO:0015356.

Submission:

Ambry Genetics
Classification: Uncertain significance for Hereditary cancer-predisposing syndrome. Last evaluated: 2024-06-10. Review status: criteria provided, single submitter. Criteria: Ambry Variant Classification Scheme 2023. Collection method: clinical testing. Allele origin: germline.
Comment: The c.1908-12T>G intronic variant results from a T to G substitution 12 nucleotides upstream from coding exon 7 in the AXIN2 gene. This nucleotide position is not well conserved on limited sequence alignment. In silico splice site analysis predicts that this alteration will weaken the native splice acceptor site and will result in the creation or strengthening of a novel splice acceptor site; however, direct evidence is insufficient at this time (Ambry internal data). Based on the available evidence, the clinical significance of this variant remains unclear.

NM_004655.4(AXIN2):c.1908-12T>G

Gene: AXIN2 (axin 2; minus strand). Cytogenetic location: 17q24.1.
Variant type: single nucleotide variant.
Coding change: c.1908-12T>G on transcript NM_004655.4 (MANE Select); 12 bases into the intron before coding-DNA position 1908, T replaced by G.
Molecular consequence: intron variant.
Genome position (GRCh38, 1-based): chr17:65,536,565, A>C on the plus strand (T>G on the coding strand, the complement: AXIN2 is on the minus strand). VCF-style: chr17-65536565-A-C. GRCh37 (hg19) VCF-style: chr17-63532683-A-C.
Other names: c.1713-12T>G (NM_001363813.1).
Identifiers: ClinVar variation 3258200 (VCV003258200.1).
Genomic context (GRCh38, chr17:65,536,565, plus strand): 5'-AGACGAGCGGGCAGACTCCAAGGGGTAGGCCTTTTTTGTGCTTTGGGCACTAAACAAGGA[A>C]TGAGCAGAGAGAAAACAGAAGGAAAGAAACTGGGTTAGAAGAACTGGAAAATGTGACTTC-3'